The following is an entry in ClinVar:

ClinVar aggregate classification (germline): Benign/Likely benign. Review status: criteria provided, multiple submitters, no conflicts (2 of 4 stars). 10 submissions from 10 submitters: Benign (7); Likely benign (2). 1 of the submissions does not count toward it. Last evaluated 2026-04-14.

Conditions:
Familial intrahepatic cholestasis. Identifiers: Orphanet 284385, MedGen CN296401, MONDO:0017290.
Progressive familial intrahepatic cholestasis type 2. Identifiers: Orphanet 79304, MedGen C3489789, MONDO:0011156, OMIM 601847.

Allele frequency attached by ClinVar (database versions not stated): ESP Exome Variant Server 0.00049; gnomAD 0.00054 and 0.00421; TOPMed 0.00114; gnomAD exomes 0.00683 and 0.01418; ExAC 0.01582; 1000 Genomes Project 30x 0.02920; 1000 Genomes Project 0.03095.
gnomAD v4.1: 10,608 of 1,612,642 alleles (0.66%); highest among the groups gnomAD compares: South Asian, 11%; 640 homozygotes.

Submissions (10):

Genomenon, Inc
Classification: Benign for Familial intrahepatic cholestasis. Last evaluated: 2026-04-14. Review status: criteria provided, single submitter. Criteria: Genomenon Sequence Variant Interpretation Standards - Updated. Collection method: curation. Allele origin: germline. Affected: no.
Comment: ABCB11 p.Asn591Ser (c.1772A>G) is a missense variant that changes the amino acid at residue 591 from Asparagine to Serine. This variant is present at high allele frequency in population databases. In conclusion, we classify ABCB11 p.Asn591Ser (c.1772A>G) as a benign variant.

Labcorp Genetics (formerly Invitae), Labcorp
Classification: Benign. Last evaluated: 2026-02-02. Review status: criteria provided, single submitter. Criteria: Invitae Variant Classification Sherloc (09022015). Collection method: clinical testing. Allele origin: germline.

Mayo Clinic Laboratories, Mayo Clinic
Classification: Benign. Last evaluated: 2022-07-22. Review status: criteria provided, single submitter. Criteria: ACMG Guidelines, 2015. Collection method: clinical testing. Allele origin: germline. Observed: 3 variant alleles.
Comment: BA1

Women's Health and Genetics/Laboratory Corporation of America, LabCorp
Classification: Likely benign. Last evaluated: 2022-02-18. Review status: criteria provided, single submitter. Criteria: LabCorp Variant Classification Summary - May 2015. Collection method: clinical testing. Allele origin: germline.

Mendelics
Classification: Benign for Progressive familial intrahepatic cholestasis type 2. Last evaluated: 2019-05-28. Review status: criteria provided, single submitter. Criteria: Mendelics Assertion Criteria 2017. Collection method: clinical testing. Allele origin: unknown.

Illumina Laboratory Services, Illumina
Classification: Benign for Progressive familial intrahepatic cholestasis type 2. Last evaluated: 2018-03-06. Review status: criteria provided, single submitter. Criteria: ICSL Variant Classification Criteria 13 December 2019. Collection method: clinical testing. Allele origin: germline.
Comment: This variant was observed in the ICSL laboratory as part of a predisposition screen in an ostensibly healthy population. It had not been previously curated by ICSL or reported in the Human Gene Mutation Database (HGMD: prior to June 1st, 2018), and was therefore a candidate for classification through an automated scoring system. Utilizing variant allele frequency, disease prevalence and penetrance estimates, and inheritance mode, an automated score was calculated to assess if this variant is too frequent to cause the disease. Based on the score and internal cut-off values, a variant classified as benign is not then subjected to further curation. The score for this variant resulted in a classification of benign for this disease.

GeneDx
Classification: Benign. Last evaluated: 2016-07-05. Review status: criteria provided, single submitter. Criteria: GeneDx Variant Classification (06012015). Collection method: clinical testing. Allele origin: germline. Affected: yes.
Comment: This variant is considered likely benign or benign based on one or more of the following criteria: it is a conservative change, it occurs at a poorly conserved position in the protein, it is predicted to be benign by multiple in silico algorithms, and/or has population frequency not consistent with disease.

Eurofins Ntd Llc (ga)
Classification: Benign. Last evaluated: 2014-11-14. Review status: criteria provided, single submitter. Criteria: EGL Classification Definitions 2015. Collection method: clinical testing. Allele origin: germline. Observed: 2 variant alleles, 2 heterozygotes.

Breakthrough Genomics
Classification: Likely benign. Review status: criteria provided, single submitter. Criteria: ACMG Guidelines, 2015. Collection method: not provided. Allele origin: germline. Inheritance: Autosomal recessive inheritance. Affected: yes.

Natera, Inc.
Classification: Benign for Progressive familial intrahepatic cholestasis type 2. Last evaluated: 2020-01-07. Review status: no assertion criteria provided. Collection method: clinical testing. Allele origin: germline. Not counted in ClinVar's aggregate classification.

Literature cited by the submitters: PubMed 31335238 (cited by Mayo Clinic Laboratories, Mayo Clinic).

NM_003742.4(ABCB11):c.1772A>G (p.Asn591Ser)

Gene: ABCB11 (ATP binding cassette subfamily B member 11; minus strand). Cytogenetic location: 2q31.1.
Variant type: single nucleotide variant.
Coding change: c.1772A>G on transcript NM_003742.4 (MANE Select); coding-DNA position 1772, A replaced by G.
Protein change: p.Asn591Ser; replaces asparagine 591 with serine.
Molecular consequence: missense variant.
Genome position (GRCh38, 1-based): chr2:168,970,082, T>C on the plus strand (A>G on the coding strand, the complement: ABCB11 is on the minus strand). VCF-style: chr2-168970082-T-C. GRCh37 (hg19) VCF-style: chr2-169826592-T-C.
Other names: c.1772A>G, p.Asn591Ser (LRG_1199t1); short protein forms N591S.
Identifiers: ClinVar variation 194505 (VCV000194505.23), dbSNP rs11568367, ClinGen allele CA201206.